The following is an entry in ClinVar:

NM_000051.4(ATM):c.4910-2A>G

Gene: ATM (ATM serine/threonine kinase; plus strand). Cytogenetic location: 11q22.3.
Variant type: single nucleotide variant.
Coding change: c.4910-2A>G on transcript NM_000051.4 (MANE Select); the canonical splice acceptor site of the intron before coding-DNA position 4910, A replaced by G.
Molecular consequence: splice acceptor variant.
Genome position (GRCh38, 1-based): chr11:108,297,285, A>G. VCF-style: chr11-108297285-A-G. GRCh37 (hg19) VCF-style: chr11-108168012-A-G.
Other names: c.4910-2A>G (NM_001351834.2).
Identifiers: ClinVar variation 661267 (VCV000661267.9), dbSNP rs1555103156, ClinGen allele CA382537931.

ClinVar aggregate classification (germline): Likely pathogenic. Review status: criteria provided, multiple submitters, no conflicts (2 of 4 stars). 3 submissions from 3 submitters: Likely pathogenic (3). Last evaluated 2025-04-24.

Conditions:
Hereditary cancer-predisposing syndrome. Also called: Neoplastic Syndromes, Hereditary; Hereditary neoplastic syndrome; Tumor predisposition; Hereditary Cancer Syndrome. Identifiers: Orphanet 140162, MedGen C0027672, MeSH D009386, MONDO:0015356.
Ataxia-telangiectasia syndrome (AT). Also called: Ataxia-telangiectasia, complementation group D; AT, COMPLEMENTATION GROUP C; Ataxia telangiectasia (A-T); Cerebello-oculocutaneous telangiectasia; Immunodeficiency with ataxia telangiectasia; ATAXIA-TELANGIECTASIA, COMPLEMENTATION GROUP A. Identifiers: Orphanet 100, MedGen C0004135, MONDO:0008840, OMIM 208900.
Familial cancer of breast. Also called: Hereditary breast cancer; BREAST CANCER, FAMILIAL; hereditary breast carcinoma. Identifiers: Orphanet 227535, MedGen C0346153, MONDO:0016419, OMIM 114480. Disease mechanism: loss of function.

Submissions (3):

Ambry Genetics
Classification: Likely pathogenic for Hereditary cancer-predisposing syndrome. Last evaluated: 2025-04-24. Review status: criteria provided, single submitter. Criteria: Ambry Variant Classification Scheme 2023. Collection method: clinical testing. Allele origin: germline.
Comment: The c.4910-2A>G intronic variant results from an A to G substitution two nucleotides upstream from coding exon 32 in the ATM gene. This nucleotide position is highly conserved in available vertebrate species. In silico splice site analysis predicts that this alteration will weaken the native splice acceptor site. RNA studies have demonstrated that this alteration results in abnormal splicing in the set of samples tested (Ambry internal data). This variant is considered to be rare based on population cohorts in the Genome Aggregation Database (gnomAD). Based on the majority of available evidence to date, this variant is likely to be pathogenic.

Myriad Genetics, Inc.
Classification: Likely pathogenic for Familial cancer of breast. Last evaluated: 2024-01-25. Review status: criteria provided, single submitter. Criteria: Myriad Autosomal Dominant, Autosomal Recessive and X-Linked Classification Criteria (2023). Collection method: clinical testing. Allele origin: unknown.
Comment: This variant is considered likely pathogenic. This variant occurs within a consensus splice junction and is predicted to result in abnormal mRNA splicing of either an out-of-frame exon or an in-frame exon necessary for protein stability and/or normal function.

Labcorp Genetics (formerly Invitae), Labcorp
Classification: Likely pathogenic for Ataxia-telangiectasia syndrome. Last evaluated: 2023-01-24. Review status: criteria provided, single submitter. Criteria: Invitae Variant Classification Sherloc (09022015). Collection method: clinical testing. Allele origin: germline.
Comment: This sequence change affects an acceptor splice site in intron 32 of the ATM gene. It is expected to disrupt RNA splicing. Variants that disrupt the donor or acceptor splice site typically lead to a loss of protein function (PMID: 16199547), and loss-of-function variants in ATM are known to be pathogenic (PMID: 23807571, 25614872). In summary, the currently available evidence indicates that the variant is pathogenic, but additional data are needed to prove that conclusively. Therefore, this variant has been classified as Likely Pathogenic. Algorithms developed to predict the effect of sequence changes on RNA splicing suggest that this variant may disrupt the consensus splice site. ClinVar contains an entry for this variant (Variation ID: 661267). This variant has not been reported in the literature in individuals affected with ATM-related conditions. This variant is not present in population databases (gnomAD no frequency).

Literature cited by the submitters: PubMed 16199547 (cited by Labcorp Genetics (formerly Invitae), Labcorp); PubMed 23807571 (cited by Labcorp Genetics (formerly Invitae), Labcorp); PubMed 25614872 (cited by Labcorp Genetics (formerly Invitae), Labcorp).